The following is an entry in ClinVar:

ClinVar aggregate classification (germline): Uncertain significance. Review status: criteria provided, multiple submitters, no conflicts (2 of 4 stars). 2 submissions from 2 submitters: Uncertain significance (2). Last evaluated 2024-06-14.

Conditions:
Polycystic kidney disease, adult type (PKD1). Also called: Polycystic Kidney, Autosomal Dominant; POLYCYSTIC KIDNEY DISEASE 1 WITH OR WITHOUT POLYCYSTIC LIVER DISEASE; Polycystic Kidney Disease 1, Autosomal Dominant; Polycystic kidney disease 1; Polycystic kidney disease 1, severe; POLYCYSTIC KIDNEY DISEASE, ADULT, TYPE I. Identifiers: MedGen C3149841, MONDO:0008263, OMIM 173900.

Allele frequency attached by ClinVar (database versions not stated): gnomAD exomes below 0.00001; ExAC 0.00001.

Submissions (2):

Fulgent Genetics
Classification: Uncertain significance for Polycystic kidney disease, adult type. Last evaluated: 2024-06-14. Review status: criteria provided, single submitter. Criteria: ACMG Guidelines, 2015. Collection method: clinical testing. Allele origin: germline.

MVZ Medizinische Genetik Mainz
Classification: Uncertain significance for Polycystic kidney disease, adult type. Last evaluated: 2022-04-28. Review status: criteria provided, single submitter. Criteria: UK Practice Guidelines For Variant Classification V4 01 2020. Collection method: clinical testing. Allele origin: germline. Inheritance: Autosomal dominant inheritance. Affected: yes. Observed: 1 variant allele.
Comment: ACMG Criteria: PM2_SUP, PP3 (ACMG Version 3); Compound Heterozygote

NM_001009944.3(PKD1):c.11098C>T (p.Arg3700Cys)

Genes: PKD1 (polycystin 1, transient receptor potential channel interacting; minus strand), PKD1-AS1 (PKD1 antisense RNA 1; plus strand). Cytogenetic location: 16p13.3.
Variant type: single nucleotide variant.
Coding change: c.11098C>T on transcript NM_001009944.3 (MANE Select); coding-DNA position 11098, C replaced by T.
Protein change: p.Arg3700Cys; replaces arginine 3700 with cysteine.
Molecular consequence: missense variant. On other transcripts: non-coding transcript variant (1).
Genome position (GRCh38, 1-based): chr16:2,093,012, G>A on the plus strand (C>T on the coding strand, the complement: PKD1 is on the minus strand). VCF-style: chr16-2093012-G-A. GRCh37 (hg19) VCF-style: chr16-2143013-G-A.
Other names: c.11095C>T, p.Arg3699Cys (NM_000296.4); short protein forms R3699C, R3700C.
Identifiers: ClinVar variation 3066291 (VCV003066291.2), dbSNP rs758831274, ClinGen allele CA7829311.
Genomic context (GRCh38, chr16:2,093,012, plus strand): 5'-ACCGCGTGATGGCCAGGAAGGCCCGGCTGTGCAGCTCCTGCTTGATGGCGCTTTGCAGAC[G>A]GTAGGCGTGCCCATGGCATGAGGCATCCCCATAGCTGGCCAGCAGGGTCACCAGCAGAAA-3'
Protein context (NP_001009944.3, residues 3690-3710): GDASCHGHAY[Arg3700Cys]LQSAIKQELH